The following is an entry in ClinVar:

NM_001363118.2(SLC52A2):c.920G>A (p.Arg307His)

Gene: SLC52A2 (solute carrier family 52 member 2; plus strand). Cytogenetic location: 8q24.3.
Variant type: single nucleotide variant.
Coding change: c.920G>A on transcript NM_001363118.2 (MANE Select); coding-DNA position 920, G replaced by A.
Protein change: p.Arg307His; replaces arginine 307 with histidine.
Molecular consequence: missense variant. On other transcripts: non-coding transcript variant (1).
Genome position (GRCh38, 1-based): chr8:144,360,412, G>A. VCF-style: chr8-144360412-G-A. GRCh37 (hg19) VCF-style: chr8-145584072-G-A.
Other names: c.920G>A, p.Arg307His (NM_001253815.2, NM_001253816.2, NM_001363120.2 and 2 more transcripts); c.428G>A, p.Arg143His (NM_001363122.2); short protein forms R143H, R307H.
Identifiers: ClinVar variation 665799 (VCV000665799.8), dbSNP rs143091206, ClinGen allele CA4938314.

ClinVar aggregate classification (germline): Uncertain significance. Review status: criteria provided, multiple submitters, no conflicts (2 of 4 stars). 2 submissions from 2 submitters: Uncertain significance (2). Last evaluated 2025-06-06.

Conditions:
Inborn genetic diseases. Identifiers: MedGen C0950123, MeSH D030342.
Brown-Vialetto-van Laere syndrome 2. Also called: SPINOCEREBELLAR ATAXIA WITH BLINDNESS AND DEAFNESS 2; Riboflavin transporter deficiency type 2. Identifiers: Orphanet 572543, Orphanet 97229, MedGen C3553538, MONDO:0013867, OMIM 614707.

Allele frequency attached by ClinVar (database versions not stated): gnomAD 0.00013 and 0.00011; gnomAD exomes 0.00013 and 0.00018; 1000 Genomes Project 30x 0.00016; ESP Exome Variant Server 0.00038; ExAC 0.00012; TOPMed 0.00013.
gnomAD v4.1: 279 of 1,607,062 alleles (0.017%); highest among the groups gnomAD compares: Middle Eastern, 0.049%; no homozygotes.

Submissions (2):

Ambry Genetics
Classification: Uncertain significance for Inborn genetic diseases. Last evaluated: 2025-06-06. Review status: criteria provided, single submitter. Criteria: Ambry Variant Classification Scheme 2023. Collection method: clinical testing. Allele origin: germline.

Labcorp Genetics (formerly Invitae), Labcorp
Classification: Uncertain significance for Brown-Vialetto-van Laere syndrome 2. Last evaluated: 2022-08-03. Review status: criteria provided, single submitter. Criteria: Invitae Variant Classification Sherloc (09022015). Collection method: clinical testing. Allele origin: germline.
Comment: This sequence change replaces arginine, which is basic and polar, with histidine, which is basic and polar, at codon 307 of the SLC52A2 protein (p.Arg307His). This variant is present in population databases (rs143091206, gnomAD 0.04%). This variant has not been reported in the literature in individuals affected with SLC52A2-related conditions. ClinVar contains an entry for this variant (Variation ID: 665799). Advanced modeling of protein sequence and biophysical properties (such as structural, functional, and spatial information, amino acid conservation, physicochemical variation, residue mobility, and thermodynamic stability) performed at Invitae indicates that this missense variant is not expected to disrupt SLC52A2 protein function. In summary, the available evidence is currently insufficient to determine the role of this variant in disease. Therefore, it has been classified as a Variant of Uncertain Significance.